The following is an entry in ClinVar:

ClinVar aggregate classification (germline): Uncertain significance. Review status: criteria provided, multiple submitters, no conflicts (2 of 4 stars). 2 submissions from 2 submitters: Uncertain significance (2). Last evaluated 2023-01-20.

Conditions:
Combined immunodeficiency due to CD3gamma deficiency. Also called: CD3-GAMMA DEFICIENCY; SCID-LIKE IMMUNODEFICIENCY, T CELL-PARTIAL, B CELL-POSITIVE, NK CELL-POSITIVE; Immunodeficiency 17; Immunodeficiency 17, CD3 gamma deficient. Identifiers: Orphanet 169082, MedGen C3810107, MONDO:0014276, OMIM 615607.

Allele frequency attached by ClinVar (database versions not stated): ExAC 0.00002; gnomAD 0.00002 and 0.00003; gnomAD exomes 0.00002 and 0.00005; TOPMed 0.00002.
gnomAD v4.1: 78 of 1,613,848 alleles (0.0048%); highest among the groups gnomAD compares: Non-Finnish European, 0.0064%; no homozygotes.

Submissions (2):

Blueprint Genetics
Classification: Uncertain significance. Last evaluated: 2023-01-20. Review status: criteria provided, single submitter. Criteria: ACMG Guidelines, 2015. Collection method: clinical testing. Allele origin: germline.

Labcorp Genetics (formerly Invitae), Labcorp
Classification: Uncertain significance for Combined immunodeficiency due to CD3gamma deficiency. Last evaluated: 2022-06-30. Review status: criteria provided, single submitter. Criteria: Invitae Variant Classification Sherloc (09022015). Collection method: clinical testing. Allele origin: germline.
Comment: This sequence change replaces arginine, which is basic and polar, with glutamine, which is neutral and polar, at codon 166 of the CD3G protein (p.Arg166Gln). This variant is present in population databases (rs764084817, gnomAD 0.004%). This variant has not been reported in the literature in individuals affected with CD3G-related conditions. Algorithms developed to predict the effect of missense changes on protein structure and function (SIFT, PolyPhen-2, Align-GVGD) all suggest that this variant is likely to be disruptive. In summary, the available evidence is currently insufficient to determine the role of this variant in disease. Therefore, it has been classified as a Variant of Uncertain Significance.

NM_000073.3(CD3G):c.497G>A (p.Arg166Gln)

Gene: CD3G (CD3 gamma subunit of T-cell receptor complex; plus strand). Cytogenetic location: 11q23.3.
Variant type: single nucleotide variant.
Coding change: c.497G>A on transcript NM_000073.3 (MANE Select); coding-DNA position 497, G replaced by A.
Protein change: p.Arg166Gln; replaces arginine 166 with glutamine.
Molecular consequence: missense variant.
Genome position (GRCh38, 1-based): chr11:118,352,417, G>A. VCF-style: chr11-118352417-G-A. GRCh37 (hg19) VCF-style: chr11-118223132-G-A.
Other names: short protein forms R166Q.
Identifiers: ClinVar variation 1430850 (VCV001430850.6), dbSNP rs764084817, ClinGen allele CA6302222.